The following is an entry in ClinVar:

NM_004360.5(CDH1):c.1009-5T>C

Gene: CDH1 (cadherin 1; plus strand). Cytogenetic location: 16q22.1.
Variant type: single nucleotide variant.
Coding change: c.1009-5T>C on transcript NM_004360.5 (MANE Select); 5 bases into the intron before coding-DNA position 1009, T replaced by C.
Molecular consequence: intron variant.
Genome position (GRCh38, 1-based): chr16:68,812,130, T>C. VCF-style: chr16-68812130-T-C. GRCh37 (hg19) VCF-style: chr16-68846033-T-C.
Other names: c.1009-5T>C (LRG_301t1, NM_001317184.2); c.-607-5T>C (NM_001317185.2); c.-811-5T>C (NM_001317186.2).
Identifiers: ClinVar variation 463694 (VCV000463694.13), dbSNP rs1555515708, ClinGen allele CA658658484.
Genomic context (GRCh38, chr16:68,812,130, plus strand): 5'-GCTGGGCTAGGCCAAAGGTGGCTAGTGTTCCTGGTCCTGACTTGGTTGTGTCGATCTCTC[T>C]GCAGAGTTTCCCTACGTATACCCTGGTGGTTCAAGCTGCTGACCTTCAAGGTGAGGGGTT-3'

ClinVar aggregate classification (germline): Likely benign. Review status: criteria provided, multiple submitters, no conflicts (2 of 4 stars). 4 submissions from 4 submitters: Likely benign (4). Last evaluated 2025-05-05.

Conditions:
Hereditary cancer-predisposing syndrome. Also called: Hereditary neoplastic syndrome; Neoplastic Syndromes, Hereditary; Tumor predisposition; Hereditary Cancer Syndrome. Identifiers: Orphanet 140162, MedGen C0027672, MeSH D009386, MONDO:0015356.
Hereditary diffuse gastric adenocarcinoma (HDGC). Also called: DIFFUSE GASTRIC AND LOBULAR BREAST CANCER SYNDROME. Identifiers: Orphanet 26106, MedGen C1708349, MONDO:0007648, OMIM 137215.

Submissions (4):

Color Diagnostics, LLC DBA Color Health
Classification: Likely benign for Hereditary cancer-predisposing syndrome. Last evaluated: 2025-05-05. Review status: criteria provided, single submitter. Criteria: ACMG Guidelines, 2015. Collection method: clinical testing. Allele origin: germline.

Myriad Genetics, Inc.
Classification: Likely benign for Hereditary diffuse gastric adenocarcinoma. Last evaluated: 2024-09-17. Review status: criteria provided, single submitter. Criteria: Myriad Autosomal Dominant, Autosomal Recessive and X-Linked Classification Criteria (2023). Collection method: clinical testing. Allele origin: unknown.
Comment: This variant is considered likely benign. This variant is intronic and is not expected to impact mRNA splicing.

Ambry Genetics
Classification: Likely benign for Hereditary cancer-predisposing syndrome. Last evaluated: 2023-04-25. Review status: criteria provided, single submitter. Criteria: Ambry Variant Classification Scheme 2023. Collection method: clinical testing. Allele origin: germline.

Labcorp Genetics (formerly Invitae), Labcorp
Classification: Likely benign for Hereditary diffuse gastric adenocarcinoma. Last evaluated: 2023-02-14. Review status: criteria provided, single submitter. Criteria: Invitae Variant Classification Sherloc (09022015). Collection method: clinical testing. Allele origin: germline.